The following is an entry in ClinVar:

NM_000512.5(GALNS):c.139G>A (p.Gly47Arg)

Gene: GALNS (galactosamine (N-acetyl)-6-sulfatase; minus strand). Cytogenetic location: 16q24.3.
Variant type: single nucleotide variant.
Coding change: c.139G>A on transcript NM_000512.5 (MANE Select); coding-DNA position 139, G replaced by A.
Protein change: p.Gly47Arg; replaces glycine 47 with arginine.
Molecular consequence: missense variant. On other transcripts: intron variant (1).
Genome position (GRCh38, 1-based): chr16:88,842,811, C>T on the plus strand (G>A on the coding strand, the complement: GALNS is on the minus strand). VCF-style: chr16-88842811-C-T. GRCh37 (hg19) VCF-style: chr16-88909219-C-T.
Other names: c.157G>A, p.Gly53Arg (NM_001323544.2); c.-311-840G>A (NM_001323543.2); short protein forms G47R, G53R.
Identifiers: ClinVar variation 281018 (VCV000281018.25), dbSNP rs199638097, ClinGen allele CA8235279.
Genomic context (GRCh38, chr16:88,842,811, plus strand): 5'-GCCCTTCTGCAGCCATCCGGTCCAAATTCGGGGTCTCTCTGGAGGGCTCTCCATACACCC[C>T]GAGGTCACCCCATCCCATCTGCAGGGAAGAGCACGGGGAGGAGGAATGAGCGCCTTCTGC-3'
Protein context (NP_000503.1, residues 37-57): LMDDMGWGDL[Gly47Arg]VYGEPSRETP

ClinVar aggregate classification (germline): Pathogenic/Likely pathogenic. Review status: criteria provided, multiple submitters, no conflicts (2 of 4 stars). 10 submissions from 10 submitters: Pathogenic (7); Likely pathogenic (3). Last evaluated 2025-10-01.

Conditions:
Morquio syndrome. Also called: Mucopolysaccharidosis, Type IV; MPS IV; Mucopolysaccharidosis type 4; Eccentrochondrodysplasia. Identifiers: Orphanet 582, MedGen C0026707, MONDO:0018938.
Mucopolysaccharidosis, MPS-IV-A (MPS4A). Also called: Morquio syndrome A, mild; MPS IVA; MORQUIO SYNDROME A; GALACTOSAMINE-6-SULFATASE DEFICIENCY; GALNS DEFICIENCY; MORQUIO A DISEASE. Identifiers: Orphanet 309297, Orphanet 582, MedGen C0086651, MONDO:0009659, OMIM 253000.

Allele frequency attached by ClinVar (database versions not stated): TOPMed below 0.00001; gnomAD 0.00001; gnomAD exomes 0.00002; ESP Exome Variant Server 0.00008; ExAC 0.00001.
gnomAD v4.1: 19 of 1,613,282 alleles (0.0012%); highest among the groups gnomAD compares: Middle Eastern, 0.016%; no homozygotes.

Submissions (10):

Labcorp Genetics (formerly Invitae), Labcorp
Classification: Pathogenic for Mucopolysaccharidosis, MPS-IV-A. Last evaluated: 2025-10-01. Review status: criteria provided, single submitter. Criteria: Invitae Variant Classification Sherloc (09022015). Collection method: clinical testing. Allele origin: germline.
Comment: This sequence change replaces glycine, which is neutral and non-polar, with arginine, which is basic and polar, at codon 47 of the GALNS protein (p.Gly47Arg). This variant is present in population databases (rs199638097, gnomAD 0.006%). This missense change has been observed in individual(s) with MPS IVA (PMID: 9298823, 23876334, 29275451, 30023300; internal data). In at least one individual the data is consistent with being in trans (on the opposite chromosome) from a pathogenic variant. ClinVar contains an entry for this variant (Variation ID: 281018). Invitae Evidence Modeling of protein sequence and biophysical properties (such as structural, functional, and spatial information, amino acid conservation, physicochemical variation, residue mobility, and thermodynamic stability) indicates that this missense variant is expected to disrupt GALNS protein function with a positive predictive value of 95%. For these reasons, this variant has been classified as Pathogenic.

3billion
Classification: Likely pathogenic for Mucopolysaccharidosis, MPS-IV-A. Last evaluated: 2025-05-21. Review status: criteria provided, single submitter. Criteria: ACMG Guidelines, 2015. Collection method: clinical testing. Allele origin: germline. Affected: yes.
Comment: The variant is observed at an extremely low frequency in the gnomAD v4.1.0 dataset (total allele frequency: 0.001%). Predicted Consequence/Location: Missense variant In silico tool predictions suggest damaging effect of the variant on gene or gene product [REVEL: 0.97 (>=0.6, sensitivity 0.68 and specificity 0.92); 3Cnet: 0.83 (> 0.75, sensitivity 0.96 and precision 0.92)]. The same nucleotide change resulting in the same amino acid change has been previously reported as pathogenic/likely pathogenic with strong evidence (ClinVar ID: VCV000281018 /PMID: 9298823). The variant has been reported to be in trans with a pathogenic variant as either compound heterozygous or homozygous in at least one similarly affected unrelated individual (PMID: 29275451). Therefore, this variant is classified as Likely pathogenic according to the recommendation of ACMG/AMP guideline.

Revvity Omics, Revvity
Classification: Pathogenic for Mucopolysaccharidosis, MPS-IV-A. Last evaluated: 2024-12-06. Review status: criteria provided, single submitter. Criteria: ACMG Guidelines, 2015. Collection method: clinical testing. Allele origin: germline.

Fulgent Genetics
Classification: Pathogenic for Mucopolysaccharidosis, MPS-IV-A. Last evaluated: 2024-06-20. Review status: criteria provided, single submitter. Criteria: ACMG Guidelines, 2015. Collection method: clinical testing. Allele origin: germline.

Kasturba Medical College, Manipal, Kasturba Medical College, Manipal, Manipal Academy of Higher Education, Manipal, India
Classification: Pathogenic for Mucopolysaccharidosis, MPS-IV-A. Last evaluated: 2022-05-09. Review status: criteria provided, single submitter. Criteria: ACMG Guidelines, 2015. Collection method: clinical testing. Allele origin: germline. Affected: yes. Observed: 2 variant alleles.

Genome-Nilou Lab
Classification: Likely pathogenic for Mucopolysaccharidosis, MPS-IV-A. Last evaluated: 2021-11-07. Review status: criteria provided, single submitter. Criteria: ACMG Guidelines, 2015. Collection method: clinical testing. Allele origin: germline. Affected: no.

Laboratory of Diagnosis and Therapy of Lysosomal Disorders, University of Padova
Classification: Likely pathogenic for Mucopolysaccharidosis, MPS-IV-A. Last evaluated: 2021-02-01. Review status: criteria provided, single submitter. Criteria: ACMG Guidelines, 2015. Collection method: research. Allele origin: germline. Affected: yes.
Comment: In vivo functional studies supportive of a damaging effect on the gene product (low to null enzymatic activity in homozygotes; PS3_moderate); the prevalence of the variant in affected individuals is significantly increased compared with the prevalence in controls (PS4_strong); absent from gnomAD v2.1.1 (PM2_moderate); multiple lines of computational evidence support a deleterious effect on the gene (PP3_supporting)

Women's Health and Genetics/Laboratory Corporation of America, LabCorp
Classification: Pathogenic for Morquio syndrome. Last evaluated: 2019-04-05. Review status: criteria provided, single submitter. Criteria: LabCorp Variant Classification Summary - May 2015. Collection method: clinical testing. Allele origin: germline.
Comment: Variant summary: GALNS c.139G>A (p.Gly47Arg) results in a non-conservative amino acid change located in the Sulfatase, N-terminal domain (IPR000917) of the encoded protein sequence. Five of five in-silico tools predict a damaging effect of the variant on protein function. The variant allele was found at a frequency of 1.6e-05 in 245094 control chromosomes (gnomAD and publications). c.139G>A has been reported in the literature in multiple individuals affected with Mucopolysaccharidosis Type IVA (Morquio Syndrome A) (Bunge_1997, Pajares_GALNS_2012, Tomatsu_2004). The variant in its homozygous state appears to result in a severe phenotype (Bunge_1997, Tomatsu_2004). Yassaee et al (2017) also reported a patient carrying a different nucleotide change at the same position as the variant of interest (c.139G>C) causing the same amino acid change (p.G47R) in homozygous state. Biochemical analysis of lysosomal enzymes in this patient revealed no GALNS activity. These data indicate that the variant is very likely to be associated with disease. One clinical diagnostic laboratory has submitted clinical-significance assessments for this variant to ClinVar after 2014 without evidence for independent evaluation and classified the variant as pathogenic. Based on the evidence outlined above, the variant was classified as pathogenic.

Eurofins Ntd Llc (ga)
Classification: Pathogenic. Last evaluated: 2015-12-03. Review status: criteria provided, single submitter. Criteria: EGL Classification Definitions 2015. Collection method: clinical testing. Allele origin: germline. Observed: 4 variant alleles, 2 heterozygotes, 2 homozygotes.

Clinical Genetics Service, Universitary Hospital 12 de Octubre
Classification: Pathogenic for Mucopolysaccharidosis, MPS-IV-A. Review status: criteria provided, single submitter. Criteria: ACMG Guidelines, 2015. Collection method: clinical testing. Allele origin: germline. Affected: yes.

Literature cited by the submitters: PubMed 9298823 (cited by 4 submitters); PubMed 23876334 (cited by Labcorp Genetics (formerly Invitae), Labcorp and Laboratory of Diagnosis and Therapy of Lysosomal Disorders, University of Padova); PubMed 29275451 (cited by Labcorp Genetics (formerly Invitae), Labcorp and 3billion); PubMed 30023300 (cited by Labcorp Genetics (formerly Invitae), Labcorp); PubMed 15235041 (cited by Laboratory of Diagnosis and Therapy of Lysosomal Disorders, University of Padova and Women's Health and Genetics/Laboratory Corporation of America, LabCorp); PubMed 22521955 (cited by Laboratory of Diagnosis and Therapy of Lysosomal Disorders, University of Padova and Women's Health and Genetics/Laboratory Corporation of America, LabCorp); PubMed 30927141 (cited by Laboratory of Diagnosis and Therapy of Lysosomal Disorders, University of Padova); PubMed 34387910 (cited by Laboratory of Diagnosis and Therapy of Lysosomal Disorders, University of Padova); PubMed 22940367 (cited by Women's Health and Genetics/Laboratory Corporation of America, LabCorp); PubMed 28844463 (cited by Women's Health and Genetics/Laboratory Corporation of America, LabCorp).